The following is an entry in ClinVar:

ClinVar aggregate classification (germline): Likely pathogenic (1 of 4 stars; one submission).

Conditions:
MOGS-congenital disorder of glycosylation. Also called: CDG IIb; GLUCOSIDASE I DEFICIENCY; MOGS-CDG; CDG 2B. Identifiers: Orphanet 79330, MedGen C1853736, MONDO:0011629, OMIM 606056.

Allele frequency attached by ClinVar (database versions not stated): gnomAD exomes below 0.00001; ExAC 0.00001.
gnomAD v4.1: 1 of 1,613,016 alleles (0.000062%); highest among the groups gnomAD compares: South Asian, 0.0011%; no homozygotes.

Submission:

Victorian Clinical Genetics Services, Murdoch Childrens Research Institute
Classification: Likely pathogenic for MOGS-congenital disorder of glycosylation. Last evaluated: 2023-07-17. Review status: criteria provided, single submitter. Criteria: ACMG Guidelines, 2015. Collection method: clinical testing. Allele origin: germline. Inheritance: Autosomal recessive inheritance. Affected: yes.
Comment: Based on the classification scheme VCGS_Germline_v1.3.4, this variant is classified as Likely pathogenic. Following criteria are met: 0102 - Loss of function is a known mechanism of disease in this gene and is associated with congenital disorder of glycosylation, type IIb (MIM#606056) (PMID: 31925597). (I) 0106 - This gene is associated with autosomal recessive disease. (I) 0200 - Variant is predicted to result in a missense amino acid change from glycine to arginine. (I) 0252 - This variant is homozygous. (I) 0304 - Variant is present in gnomAD (v2) <0.01 for a recessive condition (1 heterozygote, 0 homozygotes). (SP) 0502 - Missense variant with conflicting in silico predictions and uninformative conservation. (I) 0600 - Variant is located in the annotated glycosyl hydrolase family 63 C-terminal domain (DECIPHER). (I) 0705 - No comparable missense variants have previous evidence for pathogenicity. (I) 0803 - This variant has limited previous evidence of pathogenicity in an unrelated family. (SP) 0905 - No published segregation evidence has been identified for this variant. (I) 1001 - This variant has strong functional evidence supporting abnormal biochemical profiles. Additionally, urine samples from the proband showed accumulation of the Glc3Man tetrasaccharide using liquid chromatography-tandem mass spectrometry (PMID: 36651519). (I) Legend: (SP) - Supporting pathogenic, (I) - Information, (SB) - Supporting benign

Literature cited by the submitters: PubMed 31925597; PubMed 36651519.

NM_006302.3(MOGS):c.1225G>A (p.Gly409Arg)

Gene: MOGS (mannosyl-oligosaccharide glucosidase; minus strand). Cytogenetic location: 2p13.1.
Variant type: single nucleotide variant.
Coding change: c.1225G>A on transcript NM_006302.3 (MANE Select); coding-DNA position 1225, G replaced by A.
Protein change: p.Gly409Arg; replaces glycine 409 with arginine.
Molecular consequence: missense variant.
Genome position (GRCh38, 1-based): chr2:74,462,564, C>T on the plus strand (G>A on the coding strand, the complement: MOGS is on the minus strand). VCF-style: chr2-74462564-C-T. GRCh37 (hg19) VCF-style: chr2-74689691-C-T.
Other names: c.907G>A, p.Gly303Arg (NM_001146158.2); short protein forms G303R, G409R.
Identifiers: ClinVar variation 2500770 (VCV002500770.2), dbSNP rs749858541, ClinGen allele CA1724824.